The following is an entry in ClinVar:

NM_032520.5(GNPTG):c.388C>T (p.Arg130Cys)

Gene: GNPTG (N-acetylglucosamine-1-phosphate transferase subunit gamma; plus strand). Cytogenetic location: 16p13.3.
Variant type: single nucleotide variant.
Coding change: c.388C>T on transcript NM_032520.5 (MANE Select); coding-DNA position 388, C replaced by T.
Protein change: p.Arg130Cys; replaces arginine 130 with cysteine.
Molecular consequence: missense variant.
Genome position (GRCh38, 1-based): chr16:1,362,108, C>T. VCF-style: chr16-1362108-C-T. GRCh37 (hg19) VCF-style: chr16-1412109-C-T.
Other names: short protein forms R130C.
Identifiers: ClinVar variation 551401 (VCV000551401.8), dbSNP rs761584357, ClinGen allele CA7807660.
Genomic context (GRCh38, chr16:1,362,108, plus strand): 5'-GAGTGGGAGATCGCCAACAACACCTTCACGGGCATGTGGATGAGGGACGGTGACGCCTGC[C>T]GTTCCCGGAGCCGGCAGAGCAAGGTGGGGCCTCAGACGGGAGCCCGGGAAGAGGGGCCCC-3'
Protein context (NP_115909.1, residues 120-140): GMWMRDGDAC[Arg130Cys]SRSRQSKVEL

ClinVar aggregate classification (germline): Uncertain significance. Review status: criteria provided, single submitter (1 of 4 stars). 2 submissions from 2 submitters: Uncertain significance (1). 1 of the submissions does not count toward it. Last evaluated 2024-12-25.

Conditions:
GNPTG-mucolipidosis. Also called: ML III GAMMA; ML IIIC; Mucolipidosis type III gamma; MUCOLIPIDOSIS III, COMPLEMENTATION GROUP C; MUCOLIPIDOSIS III, IRANIAN VARIANT FORM; MUCOLIPIDOSIS III, VARIANT FORM. Identifiers: Orphanet 423470, Orphanet 577, MedGen C1854896, MONDO:0009652, OMIM 252605.

Allele frequency attached by ClinVar (database versions not stated): TOPMed below 0.00001; ExAC 0.00001; gnomAD exomes 0.00002.

Submissions (2):

Labcorp Genetics (formerly Invitae), Labcorp
Classification: Uncertain significance. Last evaluated: 2024-12-25. Review status: criteria provided, single submitter. Criteria: Invitae Variant Classification Sherloc (09022015). Collection method: clinical testing. Allele origin: germline.
Comment: This sequence change replaces arginine, which is basic and polar, with cysteine, which is neutral and slightly polar, at codon 130 of the GNPTG protein (p.Arg130Cys). This variant is present in population databases (rs761584357, gnomAD 0.003%). This variant has not been reported in the literature in individuals affected with GNPTG-related conditions. ClinVar contains an entry for this variant (Variation ID: 551401). Invitae Evidence Modeling of protein sequence and biophysical properties (such as structural, functional, and spatial information, amino acid conservation, physicochemical variation, residue mobility, and thermodynamic stability) indicates that this missense variant is not expected to disrupt GNPTG protein function with a negative predictive value of 80%. In summary, the available evidence is currently insufficient to determine the role of this variant in disease. Therefore, it has been classified as a Variant of Uncertain Significance.

Counsyl
Classification: Uncertain significance for GNPTG-mucolipidosis. Last evaluated: 2017-04-07. Review status: no assertion criteria provided. Collection method: clinical testing. Allele origin: unknown. Not counted in ClinVar's aggregate classification.

Literature cited by the submitters: PubMed 26130485 (cited by Counsyl).